The following is an entry in ClinVar:

ClinVar aggregate classification (germline): Uncertain significance (0 of 4 stars; one submission).

Conditions:
INPP5E-related disorder. Also called: INPP5E-related condition.

Submission:

PreventionGenetics, part of Exact Sciences
Classification: Uncertain significance for INPP5E-related condition. Last evaluated: 2023-11-06. Review status: no assertion criteria provided. Collection method: clinical testing. Allele origin: germline.
Comment: The INPP5E c.742T>A variant is predicted to result in the amino acid substitution p.Cys248Ser. To our knowledge, this variant has not been reported in the literature or in a large population database, indicating this variant is rare. At this time, the clinical significance of this variant is uncertain due to the absence of conclusive functional and genetic evidence.

NM_019892.6(INPP5E):c.742T>A (p.Cys248Ser)

Gene: INPP5E (inositol polyphosphate-5-phosphatase E; minus strand). Cytogenetic location: 9q34.3.
Variant type: single nucleotide variant.
Coding change: c.742T>A on transcript NM_019892.6 (MANE Select); coding-DNA position 742, T replaced by A.
Protein change: p.Cys248Ser; replaces cysteine 248 with serine.
Molecular consequence: missense variant.
Genome position (GRCh38, 1-based): chr9:136,438,678, A>T on the plus strand (T>A on the coding strand, the complement: INPP5E is on the minus strand). VCF-style: chr9-136438678-A-T. GRCh37 (hg19) VCF-style: chr9-139333130-A-T.
Other names: c.742T>A, p.Cys248Ser (NM_001318502.2); short protein forms C248S.
Identifiers: ClinVar variation 3356027 (VCV003356027.1).